The following is an entry in ClinVar:

ClinVar aggregate classification (germline): Benign. Review status: criteria provided, multiple submitters, no conflicts (2 of 4 stars). 2 submissions from 2 submitters: Benign (2). Last evaluated 2018-01-13.

Conditions:
D-2-hydroxyglutaric aciduria 1 (D2HGA1). Identifiers: Orphanet 79315, MedGen C3152055, MONDO:0024554, OMIM 600721.

Allele frequency attached by ClinVar (database versions not stated): gnomAD exomes 0.13158; gnomAD 0.15209 and 0.15932; TOPMed 0.16249; 1000 Genomes Project 30x 0.22954; 1000 Genomes Project 0.23263.
gnomAD v4.1: 24,240 of 152,194 alleles (16%); highest among the groups gnomAD compares: East Asian, 30%; 2,193 homozygotes.

Submissions (2):

Illumina Laboratory Services, Illumina
Classification: Benign for D-2-hydroxyglutaric aciduria 1. Last evaluated: 2018-01-13. Review status: criteria provided, single submitter. Criteria: ICSL Variant Classification Criteria 13 December 2019. Collection method: clinical testing. Allele origin: germline.
Comment: This variant was observed in the ICSL laboratory as part of a predisposition screen in an ostensibly healthy population. It had not been previously curated by ICSL or reported in the Human Gene Mutation Database (HGMD: prior to June 1st, 2018), and was therefore a candidate for classification through an automated scoring system. Utilizing variant allele frequency, disease prevalence and penetrance estimates, and inheritance mode, an automated score was calculated to assess if this variant is too frequent to cause the disease. Based on the score and internal cut-off values, a variant classified as benign is not then subjected to further curation. The score for this variant resulted in a classification of benign for this disease.

Breakthrough Genomics
Classification: Benign. Review status: criteria provided, single submitter. Criteria: ACMG Guidelines, 2015. Collection method: not provided. Allele origin: germline. Inheritance: Autosomal recessive inheritance. Affected: yes.

NM_152783.5(D2HGDH):c.*778C>T

Gene: D2HGDH (D-2-hydroxyglutarate dehydrogenase; plus strand). Cytogenetic location: 2q37.3.
Variant type: single nucleotide variant.
Coding change: c.*778C>T on transcript NM_152783.5 (MANE Select); 778 bases downstream of the stop codon, C replaced by T.
Molecular consequence: 3 prime UTR variant. On other transcripts: non-coding transcript variant (1).
Genome position (GRCh38, 1-based): chr2:241,768,747, C>T. VCF-style: chr2-241768747-C-T. GRCh37 (hg19) VCF-style: chr2-242708162-C-T.
Other names: c.*778C>T (NM_001287249.2, NM_001352824.2).
Identifiers: ClinVar variation 335349 (VCV000335349.6), dbSNP rs6746151, ClinGen allele CA10614804.
Genomic context (GRCh38, chr2:241,768,747, plus strand): 5'-AAGGGCCACTGCAGAGTGTGTTTCTGCTCGTCAGCTGCCCTGGGCAGCGGATGGGCTGGG[C>T]GATGCAGCTGGATGCACATCTCATTCTGTCATGAATGTCCAGTAAAAATCTGAATTGGTT-3'